The following is an entry in ClinVar:

NM_000035.4(ALDOB):c.671T>C (p.Leu224Pro)

Gene: ALDOB (aldolase, fructose-bisphosphate B; minus strand). Cytogenetic location: 9q31.1.
Variant type: single nucleotide variant.
Coding change: c.671T>C on transcript NM_000035.4 (MANE Select); coding-DNA position 671, T replaced by C.
Protein change: p.Leu224Pro; replaces leucine 224 with proline.
Molecular consequence: missense variant.
Genome position (GRCh38, 1-based): chr9:101,425,581, A>G on the plus strand (T>C on the coding strand, the complement: ALDOB is on the minus strand). VCF-style: chr9-101425581-A-G. GRCh37 (hg19) VCF-style: chr9-104187863-A-G.
Other names: short protein forms L224P.
Identifiers: ClinVar variation 3354986 (VCV003354986.1).
Genomic context (GRCh38, chr9:101,425,581, plus strand): 5'-TACTTCTTGGTGCAGGCATGTCCAGCAGTCACCATGTTGGGCTTTAGCAGGGTGCCCTCC[A>G]GGTAAACATGATGGTCATTCAGGGCCTTGTAGACAGCAGCCAGGACCTGAAGGACAAGAG-3'
Protein context (NP_000026.2, residues 214-234): YKALNDHHVY[Leu224Pro]EGTLLKPNMV

ClinVar aggregate classification (germline): Uncertain significance (0 of 4 stars; one submission).

Conditions:
ALDOB-related disorder. Also called: ALDOB-related condition.

gnomAD v4.1: 4 of 1,614,210 alleles (0.00025%); highest among the groups gnomAD compares: Non-Finnish European, 0.00034%; no homozygotes.

Submission:

PreventionGenetics, part of Exact Sciences
Classification: Uncertain significance for ALDOB-related condition. Last evaluated: 2024-09-26. Review status: no assertion criteria provided. Collection method: clinical testing. Allele origin: germline.
Comment: The ALDOB c.671T>C variant is predicted to result in the amino acid substitution p.Leu224Pro. To our knowledge, this variant has not been reported in the literature. This variant is reported in 0.00088% of alleles in individuals of European (Non-Finnish) descent in gnomAD. At this time, the clinical significance of this variant is uncertain due to the absence of conclusive functional and genetic evidence.